The following is an entry in ClinVar:

ClinVar aggregate classification (germline): Uncertain significance (1 of 4 stars; one submission).

Conditions:
COL11A2-related disorder. Also called: COL11A2-related condition; COL11A2-related disorders.

Allele frequency attached by ClinVar (database versions not stated): gnomAD 0.00001.
gnomAD v4.1: 1 of 1,612,228 alleles (0.000062%); highest among the groups gnomAD compares: Non-Finnish European, 0.000085%; no homozygotes.

Submission:

PreventionGenetics, part of Exact Sciences
Classification: Uncertain significance for COL11A2-related condition. Last evaluated: 2023-08-31. Review status: criteria provided, single submitter. Criteria: ACMG Guidelines, 2015. Collection method: clinical testing. Allele origin: germline.
Comment: The COL11A2 c.2017G>T variant is predicted to result in the amino acid substitution p.Gly673Cys. To our knowledge, this variant has not been reported in the literature. This variant is reported in 0.0065% of alleles in individuals of European (Non-Finnish) descent in gnomAD. This variant affects a glycine residue of the conserved triple helical domain, where substitution of the glycine are suspected to be pathogenic for collagen proteins (Byer 2000. PubMed ID: 11076051; Persikov et al. 2004. PubMed ID: 15365990; Selvam et al. 2020. PubMed ID: 32341816). Although we suspect that this variant may be pathogenic, at this time, the clinical significance of this variant is uncertain due to the absence of conclusive functional and genetic evidence.

NM_080680.3(COL11A2):c.2017G>T (p.Gly673Cys)

Gene: COL11A2 (collagen type XI alpha 2 chain; minus strand). Cytogenetic location: 6p21.32.
Variant type: single nucleotide variant.
Coding change: c.2017G>T on transcript NM_080680.3 (MANE Select); coding-DNA position 2017, G replaced by T.
Protein change: p.Gly673Cys; replaces glycine 673 with cysteine.
Molecular consequence: missense variant. On other transcripts: 5 prime UTR variant (1).
Genome position (GRCh38, 1-based): chr6:33,177,045, C>A on the plus strand (G>T on the coding strand, the complement: COL11A2 is on the minus strand). VCF-style: chr6-33177045-C-A. GRCh37 (hg19) VCF-style: chr6-33144822-C-A.
Other names: c.1837G>T, p.Gly613Cys (NM_001424108.1); c.1171G>T, p.Gly391Cys (NM_001424109.1); c.991G>T, p.Gly331Cys (NM_001424110.1, NM_001424111.1); c.-30G>T (NM_001424112.1); c.1696G>T, p.Gly566Cys (NM_080679.3); c.1759G>T, p.Gly587Cys (NM_080681.3); short protein forms G331C, G391C, G566C, G587C, G613C, G673C.
Identifiers: ClinVar variation 2630899 (VCV002630899.1), dbSNP rs1473656940, ClinGen allele CA363653294.